The following is an entry in ClinVar:

ClinVar aggregate classification (germline): Uncertain significance. Review status: criteria provided, multiple submitters, no conflicts (2 of 4 stars). 3 submissions from 3 submitters: Uncertain significance (3). Last evaluated 2025-11-19.

Conditions:
SLC35A2-congenital disorder of glycosylation. Also called: DEVELOPMENTAL AND EPILEPTIC ENCEPHALOPATHY 22; EPILEPTIC ENCEPHALOPATHY, EARLY INFANTILE, 22; CONGENITAL DISORDER OF GLYCOSYLATION, TYPE IIm; CDG IIm; CONGENITAL DISORDER OF GLYCOSYLATION, TYPE IIm, SOMATIC MOSAIC; SLC35A2-CDG. Identifiers: Orphanet 356961, MedGen C3806688, MONDO:0010478, OMIM 300896.

Submissions (3):

Dasa
Classification: Uncertain significance. Last evaluated: 2025-11-19. Review status: criteria provided, single submitter. Criteria: DASA Assertion Criteria. Collection method: clinical testing. Allele origin: germline.
Comment: NM_005660.3(SLC35A2):c.1056_1061dup (p.Ala355_Ser356dup) is an in-frame duplication predicted to duplicate amino acids from alanine at protein position 355 through serine at protein position 356 without shifting the reading frame. This variant is rare in population databases. The currently available literature and clinical evidence are not sufficient to establish a definitive association between this variant and the reported condition. Therefore, this variant is classified as a variant of uncertain significance.

Labcorp Genetics (formerly Invitae), Labcorp
Classification: Uncertain significance for SLC35A2-congenital disorder of glycosylation. Last evaluated: 2025-10-10. Review status: criteria provided, single submitter. Criteria: Invitae Variant Classification Sherloc (09022015). Collection method: clinical testing. Allele origin: germline.
Comment: This variant, c.1056_1061dup, results in the insertion of 2 amino acid(s) of the SLC35A2 protein (p.Ala355_Ser356dup), but otherwise preserves the integrity of the reading frame. This variant is present in population databases (no rsID available, gnomAD 0.008%). This variant has not been reported in the literature in individuals affected with SLC35A2-related conditions. ClinVar contains an entry for this variant (Variation ID: 1009247). Experimental studies and prediction algorithms are not available or were not evaluated, and the functional significance of this variant is currently unknown. In summary, the available evidence is currently insufficient to determine the role of this variant in disease. Therefore, it has been classified as a Variant of Uncertain Significance.

GeneDx
Classification: Uncertain significance. Last evaluated: 2024-06-20. Review status: criteria provided, single submitter. Criteria: GeneDx Variant Classification Process June 2021. Collection method: clinical testing. Allele origin: germline. Affected: yes.
Comment: In-frame duplication of 2 amino acids in a non-repeat region; Has not been previously published as pathogenic or benign to our knowledge; This variant is associated with the following publications: (PMID: 30817854)

NM_005660.3(SLC35A2):c.1050TGCCTC[3] (p.349AS[5])

Gene: SLC35A2 (solute carrier family 35 member A2; minus strand). Cytogenetic location: Xp11.23.
Variant type: Microsatellite.
Coding change: c.1050TGCCTC[3] on transcript NM_005660.3 (MANE Select); three copies in a row of the 6-base unit TGCCTC starting at c.1050; the reference has two copies in a row; one copy, 6 bases duplicated; also written c.1056_1061dup.
Protein change: p.349AS[5].
Molecular consequence: inframe insertion.
Genome position (GRCh38, 1-based): chrX:48,904,848-48,904,853, GAGGCA duplicated on the plus strand (TGCCTC on the coding strand, the reverse complement: SLC35A2 is on the minus strand); duplicating any 6 consecutive bases within chrX:48,904,848-48,904,864 gives the same sequence; the position shown is the placement nearest the transcript's 3' end. VCF-style (leftmost placement, unchanged base first): chrX-48904847-G-GGAGGCA. GRCh37 (hg19) VCF-style: chrX-48762124-G-GGAGGCA.
Other names: c.1056_1061dup (NM_001042498.2, NM_005660.3); c.460TGCCTC[3], p.154CL[3] (NM_001032289.3, NM_001282647.2); c.1050TGCCTC[3], p.349AS[5] (NM_001042498.3); c.388TGCCTC[3], p.130CL[3] (NM_001282648.2); c.867TGCCTC[3], p.288AS[5] (NM_001282649.2); c.1089TGCCTC[3], p.362AS[5] (NM_001282650.2); c.1134TGCCTC[3], p.377AS[5] (NM_001282651.2).
Identifiers: ClinVar variation 1009247 (VCV001009247.12), dbSNP rs781977360, ClinGen allele CA641902150.
Genomic context (GRCh38, chrX:48,904,847, plus strand): 5'-AGACAGCTGCGGTGGTGGTGGCTGCCCGGGAGGCTGCTGGTGAACGCAGGGCCCGGAGGC[G>GGAGGCA]GAGGCAGAGGCAGAGGCTATGGCTTTGGCTGCACCTCGGGGAAGGCTGTAGAGGTAGACA-3'